The following is an entry in ClinVar:

NM_206933.4(USH2A):c.5517G>A (p.Val1839=)

Genes: USH2A (usherin; minus strand), USH2A-AS2 (USH2A antisense RNA 2; plus strand). Cytogenetic location: 1q41.
Variant type: single nucleotide variant.
Coding change: c.5517G>A on transcript NM_206933.4 (MANE Select); coding-DNA position 5517, G replaced by A.
Protein change: p.Val1839=; no amino-acid change (valine 1839 retained).
Molecular consequence: synonymous variant.
Genome position (GRCh38, 1-based): chr1:216,078,144, C>T on the plus strand (G>A on the coding strand, the complement: USH2A is on the minus strand). VCF-style: chr1-216078144-C-T. GRCh37 (hg19) VCF-style: chr1-216251486-C-T.
Identifiers: ClinVar variation 48533 (VCV000048533.23), dbSNP rs111033421, ClinGen allele CA143518.

ClinVar aggregate classification (germline): Benign. Review status: criteria provided, multiple submitters, no conflicts (2 of 4 stars). 9 submissions from 8 submitters: Benign (6). 3 of the submissions do not count toward it. Last evaluated 2026-01-31.

Conditions:
Usher syndrome type 2A. Also called: RETINAL DISEASE IN USHER SYNDROME TYPE IIA, MODIFIER OF; USHER SYNDROME, TYPE IIA. Identifiers: Orphanet 231178, Orphanet 886, MedGen C1848634, MONDO:0010169, OMIM 276901.
Retinitis pigmentosa 39 (RP39). Identifiers: Orphanet 791, MedGen C3151138, MONDO:0013436, OMIM 613809.

Allele frequency attached by ClinVar (database versions not stated): gnomAD exomes 0.00040 and 0.00112; ExAC 0.00136; 1000 Genomes Project 0.00379; 1000 Genomes Project 30x 0.00390; gnomAD 0.00438 and 0.00479; TOPMed 0.00466; ESP Exome Variant Server 0.00500.
gnomAD v4.1: 1,265 of 1,613,710 alleles (0.078%); highest among the groups gnomAD compares: African/African-American, 1.5%; 14 homozygotes.

Submissions (9):

Labcorp Genetics (formerly Invitae), Labcorp
Classification: Benign. Last evaluated: 2026-01-31. Review status: criteria provided, single submitter. Criteria: Invitae Variant Classification Sherloc (09022015). Collection method: clinical testing. Allele origin: germline.

Genome-Nilou Lab
Classification: Benign for Retinitis pigmentosa 39. Last evaluated: 2023-11-04. Review status: criteria provided, single submitter. Criteria: ACMG Guidelines, 2015. Collection method: clinical testing. Allele origin: germline. Affected: no.

Genome-Nilou Lab
Classification: Benign for Usher syndrome type 2A. Last evaluated: 2023-11-04. Review status: criteria provided, single submitter. Criteria: ACMG Guidelines, 2015. Collection method: clinical testing. Allele origin: germline. Affected: no.

GeneDx
Classification: Benign. Last evaluated: 2019-07-10. Review status: criteria provided, single submitter. Criteria: GeneDx Variant Classification Process June 2021. Collection method: clinical testing. Allele origin: germline. Affected: yes.

Laboratory for Molecular Medicine, Mass General Brigham Personalized Medicine
Classification: Benign. Last evaluated: 2011-11-03. Review status: criteria provided, single submitter. Criteria: LMM Criteria. Collection method: clinical testing. Allele origin: germline. Observed: 4 variant alleles.
Comment: Val1839Val in exon 27 of USH2A: This variant is not expected to have clinical si gnificance because it does not alter an amino acid residue, is not located near a splice junction and has been identified in 0.6% (27/4550) of control chromosom es (dbSNP rs111033421).

Breakthrough Genomics
Classification: Benign. Review status: criteria provided, single submitter. Criteria: ACMG Guidelines, 2015. Collection method: not provided. Allele origin: germline. Inheritance: Autosomal recessive inheritance. Affected: yes.

Natera, Inc.
Classification: Benign for Usher syndrome type 2A. Last evaluated: 2019-09-09. Review status: no assertion criteria provided. Collection method: clinical testing. Allele origin: germline. Not counted in ClinVar's aggregate classification.

Clinical Genetics DNA and cytogenetics Diagnostics Lab, Erasmus MC, Erasmus Medical Center
Classification: Likely benign. Review status: no assertion criteria provided. Collection method: clinical testing. Allele origin: germline. Affected: yes. Study: VKGL Data-share Consensus. Not counted in ClinVar's aggregate classification.

Clinical Genetics, Academic Medical Center
Classification: Benign. Review status: no assertion criteria provided. Collection method: clinical testing. Allele origin: germline. Affected: yes. Study: VKGL Data-share Consensus. Not counted in ClinVar's aggregate classification.